The following is an entry in ClinVar:

ClinVar aggregate classification (germline): Pathogenic (1 of 4 stars; one submission).

Conditions:
Duchenne muscular dystrophy (DMD). Also called: MUSCULAR DYSTROPHY, PSEUDOHYPERTROPHIC PROGRESSIVE, DUCHENNE TYPE; Duchenne Muscular Dystrophy (DMD). Identifiers: Orphanet 98896, MedGen C0013264, MONDO:0010679, OMIM 310200.

Submission:

Labcorp Genetics (formerly Invitae), Labcorp
Classification: Pathogenic for Duchenne muscular dystrophy. Last evaluated: 2024-02-02. Review status: criteria provided, single submitter. Criteria: Invitae Variant Classification Sherloc (09022015). Collection method: clinical testing. Allele origin: germline.
Comment: This sequence change creates a premature translational stop signal (p.Thr58Aspfs*31) in the DMD gene. It is expected to result in an absent or disrupted protein product. Loss-of-function variants in DMD are known to be pathogenic (PMID: 16770791, 25007885). This variant is not present in population databases (gnomAD no frequency). This variant has not been reported in the literature in individuals affected with DMD-related conditions. For these reasons, this variant has been classified as Pathogenic.

Literature cited by the submitters: PubMed 16770791; PubMed 25007885.

NM_004006.3(DMD):c.170dup (p.Thr58fs)

Gene: DMD (dystrophin; minus strand). Cytogenetic location: Xp21.1.
Variant type: Duplication.
Coding change: c.170dup on transcript NM_004006.3 (MANE Select); coding-DNA position 170, one base duplicated (T; older notation c.170dupT).
Protein change: p.Thr58fs; shifts the reading frame from threonine 58.
Molecular consequence: frameshift variant. On other transcripts: 5 prime UTR variant (1).
Genome position (GRCh38, 1-based): chrX:32,849,744, A duplicated on the plus strand (T on the coding strand, the reverse complement: DMD is on the minus strand). VCF-style (leftmost placement, unchanged base first): chrX-32849743-C-CA. GRCh37 (hg19) VCF-style: chrX-32867860-C-CA.
Other names: c.146dup, p.Thr50fs (NM_000109.4); c.158dup, p.Thr54fs (NM_004009.3); c.-200dup (NM_004010.3); short protein forms T54fs, T50fs, T58fs.
Identifiers: ClinVar variation 3637362 (VCV003637362.2).